The following is an entry in ClinVar:

ClinVar aggregate classification (germline): Uncertain significance. Review status: criteria provided, multiple submitters, no conflicts (2 of 4 stars). 2 submissions from 2 submitters: Uncertain significance (2). Last evaluated 2025-06-12.

Conditions:
ARHGEF6-related disorder. Also called: ARHGEF6-related condition.

Allele frequency attached by ClinVar (database versions not stated): gnomAD 0.00001; TOPMed 0.00002.
gnomAD v4.1: 3 of 1,208,029 alleles (0.00025%); highest among the groups gnomAD compares: Admixed American, 0.0022%; no homozygotes.

Submissions (2):

PreventionGenetics, part of Exact Sciences
Classification: Uncertain significance for ARHGEF6-related condition. Last evaluated: 2025-06-12. Review status: criteria provided, single submitter. Criteria: ACMG Guidelines, 2015. Collection method: clinical testing. Allele origin: germline.
Comment: The ARHGEF6 c.1373T>C variant is predicted to result in the amino acid substitution p.Val458Ala. To our knowledge, this variant has not been reported in the literature or in a large population database (gnomAD), indicating this variant is rare. At this time, the clinical significance of this variant is uncertain due to the absence of conclusive functional and genetic evidence.

Revvity Omics, Revvity
Classification: Uncertain significance. Last evaluated: 2021-10-21. Review status: criteria provided, single submitter. Criteria: ACMG Guidelines, 2015. Collection method: clinical testing. Allele origin: germline.

NM_004840.3(ARHGEF6):c.1373T>C (p.Val458Ala)

Gene: ARHGEF6 (Rac/Cdc42 guanine nucleotide exchange factor 6; minus strand). Cytogenetic location: Xq26.3.
Variant type: single nucleotide variant.
Coding change: c.1373T>C on transcript NM_004840.3 (MANE Select); coding-DNA position 1373, T replaced by C.
Protein change: p.Val458Ala; replaces valine 458 with alanine.
Molecular consequence: missense variant.
Genome position (GRCh38, 1-based): chrX:136,685,696, A>G on the plus strand (T>C on the coding strand, the complement: ARHGEF6 is on the minus strand). VCF-style: chrX-136685696-A-G. GRCh37 (hg19) VCF-style: chrX-135767855-A-G.
Other names: c.1373T>C (NM_004840.2); c.911T>C, p.Val304Ala (NM_001306177.2); short protein forms V304A, V458A.
Identifiers: ClinVar variation 2688594 (VCV002688594.3), dbSNP rs1481570865, ClinGen allele CA414761230.